The following is an entry in ClinVar:

NM_018026.4(PACS1):c.1098G>C (p.Leu366Phe)

Gene: PACS1 (phosphofurin acidic cluster sorting protein 1; plus strand). Cytogenetic location: 11q13.2.
Variant type: single nucleotide variant.
Coding change: c.1098G>C on transcript NM_018026.4 (MANE Select); coding-DNA position 1098, G replaced by C.
Protein change: p.Leu366Phe; replaces leucine 366 with phenylalanine.
Molecular consequence: missense variant.
Genome position (GRCh38, 1-based): chr11:66,220,690, G>C. VCF-style: chr11-66220690-G-C. GRCh37 (hg19) VCF-style: chr11-65988161-G-C.
Other names: c.1098G>C (NM_018026.2, NM_018026.3); short protein forms L366F.
Identifiers: ClinVar variation 623775 (VCV000623775.49), dbSNP rs778653156, ClinGen allele CA6116479.

ClinVar aggregate classification (germline): Conflicting classifications of pathogenicity. Review status: criteria provided, conflicting classifications (1 of 4 stars). 5 submissions from 5 submitters: Uncertain significance (1); Likely benign (4). Last evaluated 2025-03-30.

Conditions:
Inborn genetic diseases. Identifiers: MedGen C0950123, MeSH D030342.
PACS1-related disorder. Also called: PACS1-related condition.
Schuurs-Hoeijmakers syndrome. Also called: PACS1-Related Neurodevelopmental Disorder. Identifiers: Orphanet 329224, MedGen C3554343, MONDO:0014006, OMIM 615009.

Allele frequency attached by ClinVar (database versions not stated): ExAC 0.00001; gnomAD exomes 0.00001 and 0.00003; gnomAD 0.00003 and 0.00004; TOPMed 0.00003.
gnomAD v4.1: 45 of 1,614,058 alleles (0.0028%); highest among the groups gnomAD compares: Non-Finnish European, 0.0036%; no homozygotes.

Submissions (5):

Ambry Genetics
Classification: Likely benign for Inborn genetic diseases. Last evaluated: 2025-03-30. Review status: criteria provided, single submitter. Criteria: Ambry Variant Classification Scheme 2023. Collection method: clinical testing. Allele origin: germline.

Laboratory of Genetics, Children's Clinical University Hospital Latvia
Classification: Likely benign. Last evaluated: 2025-02-16. Review status: criteria provided, single submitter. Criteria: ACMG Guidelines, 2015. Collection method: clinical testing. Allele origin: germline. Affected: yes.

PreventionGenetics, part of Exact Sciences
Classification: Likely benign for PACS1-related condition. Last evaluated: 2024-11-22. Review status: criteria provided, single submitter. Criteria: ACMG Guidelines, 2015. Collection method: clinical testing. Allele origin: germline.
Comment: This variant is classified as likely benign based on ACMG/AMP sequence variant interpretation guidelines (Richards et al. 2015 PMID: 25741868, with internal and published modifications).

Labcorp Genetics (formerly Invitae), Labcorp
Classification: Likely benign for Schuurs-Hoeijmakers syndrome. Last evaluated: 2024-10-22. Review status: criteria provided, single submitter. Criteria: Invitae Variant Classification Sherloc (09022015). Collection method: clinical testing. Allele origin: germline.

CeGaT Center for Human Genetics Tuebingen
Classification: Uncertain significance. Last evaluated: 2018-07-01. Review status: criteria provided, single submitter. Criteria: CeGaT Center For Human Genetics Tuebingen Variant Classification Criteria Version 2. Collection method: clinical testing. Allele origin: germline. Affected: yes. Observed: 2 variant alleles.